The following is an entry in ClinVar:

ClinVar aggregate classification (germline): Likely benign (1 of 4 stars; one submission).

Submission:

CeGaT Center for Human Genetics Tuebingen
Classification: Likely benign. Last evaluated: 2026-01-01. Review status: criteria provided, single submitter. Criteria: CeGaT Center For Human Genetics Tuebingen Variant Classification Criteria Version 2. Collection method: clinical testing. Allele origin: germline. Affected: yes. Observed: 1 variant allele.
Comment: GRIA1: PM2:Supporting, BP4, BP7

NM_000827.4(GRIA1):c.2601C>G (p.Ala867=)

Gene: GRIA1 (glutamate ionotropic receptor AMPA type subunit 1; plus strand). Cytogenetic location: 5q33.2.
Variant type: single nucleotide variant.
Coding change: c.2601C>G on transcript NM_000827.4 (MANE Select); coding-DNA position 2601, C replaced by G.
Protein change: p.Ala867=; no amino-acid change (alanine 867 retained).
Molecular consequence: synonymous variant. On other transcripts: non-coding transcript variant (2).
Genome position (GRCh38, 1-based): chr5:153,811,105, C>G. VCF-style: chr5-153811105-C-G. GRCh37 (hg19) VCF-style: chr5-153190665-C-G.
Other names: c.2601C>G, p.Ala867= (NM_001114183.2); c.2361C>G, p.Ala787= (NM_001258019.2); c.2316C>G, p.Ala772= (NM_001258020.2); c.2631C>G, p.Ala877= (NM_001258021.2, NM_001258022.2); c.2394C>G, p.Ala798= (NM_001258023.1, NM_001364167.2); c.2433C>G, p.Ala811= (NM_001364165.2); c.2628C>G, p.Ala876= (NM_001364166.2).
Identifiers: ClinVar variation 4822972 (VCV004822972.4).